The following is an entry in ClinVar:

ClinVar aggregate classification (germline): Uncertain significance (1 of 4 stars; one submission).

Submission:

GeneDx
Classification: Uncertain significance. Last evaluated: 2019-08-29. Review status: criteria provided, single submitter. Criteria: GeneDx Variant Classification Process June 2021. Collection method: clinical testing. Allele origin: germline. Affected: yes.
Comment: Not observed in large population cohorts (Lek et al., 2016); In silico analysis, which includes protein predictors and evolutionary conservation, supports a deleterious effect; Has not been previously published as pathogenic or benign to our knowledge

NM_012398.3(PIP5K1C):c.1061A>G (p.Tyr354Cys)

Gene: PIP5K1C (phosphatidylinositol-4-phosphate 5-kinase type 1 gamma; minus strand). Cytogenetic location: 19p13.3.
Variant type: single nucleotide variant.
Coding change: c.1061A>G on transcript NM_012398.3 (MANE Select); coding-DNA position 1061, A replaced by G.
Protein change: p.Tyr354Cys; replaces tyrosine 354 with cysteine.
Molecular consequence: missense variant.
Genome position (GRCh38, 1-based): chr19:3,651,892, T>C on the plus strand (A>G on the coding strand, the complement: PIP5K1C is on the minus strand). VCF-style: chr19-3651892-T-C. GRCh37 (hg19) VCF-style: chr19-3651890-T-C.
Other names: c.1061A>G, p.Tyr354Cys (NM_001195733.2, NM_001300849.2); short protein forms Y354C.
Identifiers: ClinVar variation 1309879 (VCV001309879.2), dbSNP rs2145440875, ClinGen allele CA403385941.